The following is an entry in ClinVar:

NM_000091.5(COL4A3):c.2740C>A (p.Gln914Lys)

Genes: COL4A3 (collagen type IV alpha 3 chain; plus strand), MFF-DT (MFF divergent transcript; minus strand). Cytogenetic location: 2q36.3.
Variant type: single nucleotide variant.
Coding change: c.2740C>A on transcript NM_000091.5 (MANE Select); coding-DNA position 2740, C replaced by A.
Protein change: p.Gln914Lys; replaces glutamine 914 with lysine.
Molecular consequence: missense variant.
Genome position (GRCh38, 1-based): chr2:227,283,850, C>A. VCF-style: chr2-227283850-C-A. GRCh37 (hg19) VCF-style: chr2-228148566-C-A.
Other names: c.2740C>A (NM_000091.4); short protein forms Q914K.
Identifiers: ClinVar variation 1408657 (VCV001408657.11), dbSNP rs761717909, ClinGen allele CA2147002.
Genomic context (GRCh38, chr2:227,283,850, plus strand): 5'-ATGGGCTTTCCTGGAGCCATTGGCCCTCCAGGGCCCCCTGGGAACCCAGGCACACCAGGG[C>A]AGAGGGGTAAGTGATAGAGTGTCTTTCTAAATAGCAGGAAGCATAAACAATGTTCATTTA-3'
Protein context (NP_000082.2, residues 904-924): GPPGNPGTPG[Gln914Lys]RGSPGIPGVK

ClinVar aggregate classification (germline): Conflicting classifications of pathogenicity. Review status: criteria provided, conflicting classifications (1 of 4 stars). 4 submissions from 4 submitters: Uncertain significance (3); Likely benign (1). Last evaluated 2025-08-29.

Conditions:
COL4A3-related disorder. Also called: COL4A3-related condition; COL4A3-Related Disorders.
Autosomal dominant Alport syndrome (ATS3A). Also called: ALPORT SYNDROME 3A, AUTOSOMAL DOMINANT; Alport syndrome dominant type; Renal failure and sensorineural hearing loss. Identifiers: Orphanet 63, Orphanet 88918, MedGen C5882663, MONDO:0007086, OMIM 104200.
Autosomal recessive Alport syndrome (ATS2). Also called: Alport syndrome type 2; COL4A3-Related Nephropathy; ALPORT SYNDROME 2, AUTOSOMAL RECESSIVE; COL4A4 Alport Syndrome and Thin Basement Membrane Nephropathy. Identifiers: Orphanet 63, Orphanet 88919, MedGen C4746745, MONDO:0008762, OMIM 203780.
Benign familial hematuria. Also called: thin basement membrane disease. Identifiers: MedGen C0241908, MONDO:0957317.

Allele frequency attached by ClinVar (database versions not stated): ExAC 0.00002; gnomAD exomes 0.00002; gnomAD 0.00003; TOPMed 0.00003.
gnomAD v4.1: 27 of 1,611,688 alleles (0.0017%); highest among the groups gnomAD compares: Middle Eastern, 0.016%; no homozygotes.

Submissions (4):

PreventionGenetics, part of Exact Sciences
Classification: Uncertain significance for COL4A3-related condition. Last evaluated: 2025-08-29. Review status: criteria provided, single submitter. Criteria: ACMG Guidelines, 2015. Collection method: clinical testing. Allele origin: germline.
Comment: The COL4A3 c.2740C>A variant is predicted to result in the amino acid substitution p.Gln914Lys. To our knowledge, this variant has not been reported in the literature. This variant is reported in 0.0041% of alleles in individuals of African descent in gnomAD. At this time, the clinical significance of this variant is uncertain due to the absence of conclusive functional and genetic evidence.

Blueprint Genetics
Classification: Uncertain significance. Last evaluated: 2024-03-19. Review status: criteria provided, single submitter. Criteria: ACMG Guidelines, 2015. Collection method: clinical testing. Allele origin: germline.

Labcorp Genetics (formerly Invitae), Labcorp
Classification: Likely benign. Last evaluated: 2024-03-05. Review status: criteria provided, single submitter. Criteria: Invitae Variant Classification Sherloc (09022015). Collection method: clinical testing. Allele origin: germline.

Fulgent Genetics
Classification: Uncertain significance for Autosomal dominant Alport syndrome; Hematuria, benign familial, 1; Autosomal recessive Alport syndrome. Last evaluated: 2021-08-13. Review status: criteria provided, single submitter. Criteria: ACMG Guidelines, 2015. Collection method: clinical testing. Allele origin: unknown.